The following is an entry in ClinVar:

ClinVar aggregate classification (germline): Uncertain significance (1 of 4 stars; one submission).

Submission:

GeneDx
Classification: Uncertain significance. Last evaluated: 2024-11-22. Review status: criteria provided, single submitter. Criteria: GeneDx Variant Classification Process June 2021. Collection method: clinical testing. Allele origin: germline. Affected: yes.
Comment: Not observed at significant frequency in large population cohorts (gnomAD); In silico analysis indicates that this missense variant does not alter protein structure/function; Has not been previously published as pathogenic or benign to our knowledge

NM_015656.2(KIF26A):c.58C>T (p.Pro20Ser)

Gene: KIF26A (kinesin family member 26A; plus strand). Cytogenetic location: 14q32.33.
Variant type: single nucleotide variant.
Coding change: c.58C>T on transcript NM_015656.2 (MANE Select); coding-DNA position 58, C replaced by T.
Protein change: p.Pro20Ser; replaces proline 20 with serine.
Molecular consequence: missense variant.
Genome position (GRCh38, 1-based): chr14:104,139,058, C>T. VCF-style: chr14-104139058-C-T. GRCh37 (hg19) VCF-style: chr14-104605395-C-T.
Other names: short protein forms P20S.
Identifiers: ClinVar variation 3900089 (VCV003900089.1).